The following is an entry in ClinVar:

NM_003742.4(ABCB11):c.149T>G (p.Leu50Trp)

Gene: ABCB11 (ATP binding cassette subfamily B member 11; minus strand). Cytogenetic location: 2q31.1.
Variant type: single nucleotide variant.
Coding change: c.149T>G on transcript NM_003742.4 (MANE Select); coding-DNA position 149, T replaced by G.
Protein change: p.Leu50Trp; replaces leucine 50 with tryptophan.
Molecular consequence: missense variant.
Genome position (GRCh38, 1-based): chr2:169,014,304, A>C on the plus strand (T>G on the coding strand, the complement: ABCB11 is on the minus strand). VCF-style: chr2-169014304-A-C. GRCh37 (hg19) VCF-style: chr2-169870814-A-C.
Other names: short protein forms L50W.
Identifiers: ClinVar variation 4846090 (VCV004846090.1).
Genomic context (GRCh38, chr2:169,014,304, plus strand): 5'-ATGATCTAAACAATTTATAGCTGCACACCCACTGCCATAAATCAACACAGTTTTATTACC[A>C]ATTGAAAGAAGCCAACTCTAACGCCATCACCTTTCTTCTCATCTTGTAACCTGATGAGAA-3'
Protein context (NP_003733.2, residues 40-60): GDGVRVGFFQ[Leu50Trp]FRFSSSTDIW

ClinVar aggregate classification (germline): Uncertain significance (1 of 4 stars; one submission).

Conditions:
Familial intrahepatic cholestasis. Identifiers: Orphanet 284385, MedGen CN296401, MONDO:0017290.

gnomAD v4.1: 1 of 1,612,936 alleles (0.000062%); highest among the groups gnomAD compares: South Asian, 0.0011%; no homozygotes.

Submission:

Genomenon, Inc
Classification: Uncertain significance for Familial intrahepatic cholestasis. Last evaluated: 2026-04-14. Review status: criteria provided, single submitter. Criteria: Genomenon Sequence Variant Interpretation Standards - Updated. Collection method: curation. Allele origin: germline. Affected: yes.
Comment: ABCB11 p.Leu50Trp (c.149T>G) is a missense variant that changes the amino acid at residue 50 from Leucine to Tryptophan. This variant has been observed in at least one proband with an ABCB11-related disorder (PMID:35780807;32087350). It is absent or not present at a significant frequency in gnomAD. In silico models predict that this variant is possibly or probably damaging. In conclusion, we classify ABCB11 p.Leu50Trp (c.149T>G) as a variant of uncertain significance.

Literature cited by the submitters: PubMed 35780807; PubMed 32087350.